The following is an entry in ClinVar:

NM_000492.4(CFTR):c.588A>G (p.Ala196=)

Gene: CFTR (CF transmembrane conductance regulator; plus strand). Cytogenetic location: 7q31.2.
Variant type: single nucleotide variant.
Coding change: c.588A>G on transcript NM_000492.4 (MANE Select); coding-DNA position 588, A replaced by G.
Protein change: p.Ala196=; no amino-acid change (alanine 196 retained).
Molecular consequence: synonymous variant.
Genome position (GRCh38, 1-based): chr7:117,535,256, A>G. VCF-style: chr7-117535256-A-G. GRCh37 (hg19) VCF-style: chr7-117175310-A-G.
Identifiers: ClinVar variation 1110509 (VCV001110509.13), dbSNP rs749896021, ClinGen allele CA4450779.

ClinVar aggregate classification (germline): Likely benign. Review status: criteria provided, multiple submitters, no conflicts (2 of 4 stars). 3 submissions from 3 submitters: Likely benign (2). 1 of the submissions does not count toward it. Last evaluated 2024-02-18.

Conditions:
CFTR-related disorder (CFTR-RD). Also called: CFTR-related condition; CFTR-related disorders. Identifiers: MedGen C5924204, MONDO:7770004.
Cystic fibrosis (CF). Also called: MUCOVISCIDOSIS. Identifiers: Orphanet 586, MedGen C0010674, MONDO:0009061, OMIM 219700. Disease mechanism: loss of function.

Allele frequency attached by ClinVar (database versions not stated): gnomAD exomes 0.00001; gnomAD 0.00001; TOPMed 0.00001; ExAC 0.00001.
gnomAD v4.1: 4 of 1,614,124 alleles (0.00025%); highest among the groups gnomAD compares: East Asian, 0.0045%; no homozygotes.

Submissions (3):

Labcorp Genetics (formerly Invitae), Labcorp
Classification: Likely benign for Cystic fibrosis. Last evaluated: 2024-02-18. Review status: criteria provided, single submitter. Criteria: Invitae Variant Classification Sherloc (09022015). Collection method: clinical testing. Allele origin: germline.

Ambry Genetics
Classification: Likely benign for Cystic fibrosis. Last evaluated: 2019-12-30. Review status: criteria provided, single submitter. Criteria: Ambry Variant Classification Scheme 2023. Collection method: clinical testing. Allele origin: germline.

PreventionGenetics, part of Exact Sciences
Classification: Likely benign for CFTR-related condition. Last evaluated: 2023-07-18. Review status: no assertion criteria provided. Collection method: clinical testing. Allele origin: germline. Not counted in ClinVar's aggregate classification.
Comment: This variant is classified as likely benign based on ACMG/AMP sequence variant interpretation guidelines (Richards et al. 2015 PMID: 25741868, with internal and published modifications).